The following is an entry in ClinVar:

ClinVar aggregate classification (germline): Pathogenic (1 of 4 stars; one submission).

Conditions:
Hereditary breast ovarian cancer syndrome. Also called: Hereditary breast and ovarian cancer syndrome; BRCA1- and BRCA2-Associated Hereditary Breast and Ovarian Cancer; Hereditary breast and ovarian cancer; Hereditary breast and/or ovarian cancer syndrome; Hereditary breast and ovarian cancer syndrome (HBOC); Breast and ovarian cancer. Identifiers: Orphanet 145, MedGen C0677776, MeSH D061325, MONDO:0003582. Disease mechanism: loss of function.

Submission:

Labcorp Genetics (formerly Invitae), Labcorp
Classification: Pathogenic for Hereditary breast ovarian cancer syndrome. Last evaluated: 2024-12-15. Review status: criteria provided, single submitter. Criteria: Invitae Variant Classification Sherloc (09022015). Collection method: clinical testing. Allele origin: germline.
Comment: This sequence change creates a premature translational stop signal (p.Lys531*) in the BRCA2 gene. It is expected to result in an absent or disrupted protein product. Loss-of-function variants in BRCA2 are known to be pathogenic (PMID: 20104584). This variant is not present in population databases (gnomAD no frequency). This variant has not been reported in the literature in individuals affected with BRCA2-related conditions. ClinVar contains an entry for this variant (Variation ID: 2108445). For these reasons, this variant has been classified as Pathogenic.

Literature cited by the submitters: PubMed 20104584.

NM_000059.4(BRCA2):c.1591A>T (p.Lys531Ter)

Gene: BRCA2 (BRCA2 DNA repair associated; plus strand). Cytogenetic location: 13q13.1.
Variant type: single nucleotide variant.
Coding change: c.1591A>T on transcript NM_000059.4 (MANE Select); coding-DNA position 1591, A replaced by T.
Protein change: p.Lys531Ter; replaces lysine 531 with a stop codon.
Molecular consequence: nonsense.
Genome position (GRCh38, 1-based): chr13:32,333,069, A>T. VCF-style: chr13-32333069-A-T. GRCh37 (hg19) VCF-style: chr13-32907206-A-T.
Other names: c.1591A>T, p.Lys531Ter (NM_001406719.1, NM_001406720.1, NM_001406721.1); short protein forms K531*.
Identifiers: ClinVar variation 2108445 (VCV002108445.4), dbSNP rs876659050, ClinGen allele CA387764799.